The following is an entry in ClinVar:

ClinVar aggregate classification (germline): Likely benign (1 of 4 stars; one submission).

Conditions:
Autism spectrum disorder due to AUTS2 deficiency (MRD26). Also called: INTELLECTUAL DEVELOPMENTAL DISORDER, AUTOSOMAL DOMINANT 26. Identifiers: Orphanet 352490, MedGen C4014435, MONDO:0014361, OMIM 615834.

Allele frequency attached by ClinVar (database versions not stated): gnomAD exomes below 0.00001.
gnomAD v4.1: 1 of 1,613,820 alleles (0.000062%); highest among the groups gnomAD compares: Non-Finnish European, 0.000085%; no homozygotes.

Submission:

MGZ Medical Genetics Center
Classification: Likely benign for Autism spectrum disorder due to AUTS2 deficiency. Last evaluated: 2021-12-23. Review status: criteria provided, single submitter. Criteria: ACMG Guidelines, 2015. Collection method: clinical testing. Allele origin: germline. Affected: yes. Observed: 2 variant alleles.
Comment: ACMG criteria applied: PM2_SUP, BS2_SUP, BP4

NM_015570.4(AUTS2):c.641G>T (p.Ser214Ile)

Gene: AUTS2 (activator of transcription and developmental regulator AUTS2; plus strand). Cytogenetic location: 7q11.22.
Variant type: single nucleotide variant.
Coding change: c.641G>T on transcript NM_015570.4 (MANE Select); coding-DNA position 641, G replaced by T.
Protein change: p.Ser214Ile; replaces serine 214 with isoleucine.
Molecular consequence: missense variant.
Genome position (GRCh38, 1-based): chr7:70,134,552, G>T. VCF-style: chr7-70134552-G-T. GRCh37 (hg19) VCF-style: chr7-69599538-G-T.
Other names: c.641G>T, p.Ser214Ile (NM_001127231.3, NM_001127232.3); short protein forms S214I.
Identifiers: ClinVar variation 1709046 (VCV001709046.2), dbSNP rs2485030959, ClinGen allele CA367703834.